The following is an entry in ClinVar:

NM_000432.4(MYL2):c.424T>A (p.Phe142Ile)

Gene: MYL2 (myosin light chain 2; minus strand). Cytogenetic location: 12q24.11.
Variant type: single nucleotide variant.
Coding change: c.424T>A on transcript NM_000432.4 (MANE Select); coding-DNA position 424, T replaced by A.
Protein change: p.Phe142Ile; replaces phenylalanine 142 with isoleucine.
Molecular consequence: missense variant.
Genome position (GRCh38, 1-based): chr12:110,911,154, A>T on the plus strand (T>A on the coding strand, the complement: MYL2 is on the minus strand). VCF-style: chr12-110911154-A-T. GRCh37 (hg19) VCF-style: chr12-111348958-A-T.
Other names: c.382T>A, p.Phe128Ile (NM_001406745.1, NM_001406746.1); c.367T>A, p.Phe123Ile (NM_001406916.1); short protein forms F123I, F128I, F142I.
Identifiers: ClinVar variation 2078669 (VCV002078669.6), dbSNP rs747192296, ClinGen allele CA386696970.
Genomic context (GRCh38, chr12:110,911,154, plus strand): 5'-CGTGGGTGATGATGTGCACCAGGTTCTTGTAGTCCAAGTTGCCAGTCACGTCAGGGGGGA[A>T]GGCGGCGAACATCTGGTCAACCTGCAATGAGCCAGCAACACGTGCTAAGGACGAGGGGAG-3'
Protein context (NP_000423.2, residues 132-152): KEEVDQMFAA[Phe142Ile]PPDVTGNLDY

ClinVar aggregate classification (germline): Uncertain significance. Review status: criteria provided, multiple submitters, no conflicts (2 of 4 stars). 3 submissions from 3 submitters: Uncertain significance (3). Last evaluated 2024-01-08.

Conditions:
Hypertrophic cardiomyopathy 10. Also called: CARDIOMYOPATHY, HYPERTROPHIC, MID-LEFT VENTRICULAR CHAMBER TYPE, 2; MYL2-Related Familial Hypertrophic Cardiomyopathy. Identifiers: MedGen C1834460, MONDO:0012112, OMIM 608758.
Hypertrophic cardiomyopathy. Also called: HYPERTROPHIC MYOCARDIOPATHY. Identifiers: Orphanet 217569, MedGen C0007194, MeSH D002312, MONDO:0005045, HP:0001639.

gnomAD v4.1: 1 of 1,577,150 alleles (0.000063%); highest among the groups gnomAD compares: African/African-American, 0.0014%; no homozygotes.

Submissions (3):

Labcorp Genetics (formerly Invitae), Labcorp
Classification: Uncertain significance for Hypertrophic cardiomyopathy 10. Last evaluated: 2024-01-08. Review status: criteria provided, single submitter. Criteria: Invitae Variant Classification Sherloc (09022015). Collection method: clinical testing. Allele origin: germline.
Comment: This sequence change replaces phenylalanine, which is neutral and non-polar, with isoleucine, which is neutral and non-polar, at codon 142 of the MYL2 protein (p.Phe142Ile). This variant is not present in population databases (gnomAD no frequency). This variant has not been reported in the literature in individuals affected with MYL2-related conditions. ClinVar contains an entry for this variant (Variation ID: 2078669). An algorithm developed to predict the effect of missense changes on protein structure and function (PolyPhen-2) suggests that this variant is likely to be disruptive. In summary, the available evidence is currently insufficient to determine the role of this variant in disease. Therefore, it has been classified as a Variant of Uncertain Significance.

All of Us Research Program, National Institutes of Health
Classification: Uncertain significance for Hypertrophic cardiomyopathy. Last evaluated: 2023-06-28. Review status: criteria provided, single submitter. Criteria: ACMG Guidelines, 2015. Collection method: clinical testing. Allele origin: germline. Inheritance: Autosomal dominant inheritance. Observed: 1 variant allele, 1 heterozygote.
Comment: This study involves interpretation of variants in research participants for the purpose of population health screening. Participant phenotype was not available at the time of variant classification. Additional details can be found in publication PMID: 35346344, PMCID: PMC8962531

Blueprint Genetics
Classification: Uncertain significance. Last evaluated: 2017-08-03. Review status: criteria provided, single submitter. Criteria: ACMG Guidelines, 2015. Collection method: clinical testing. Allele origin: germline.